The following is an entry in ClinVar:

NM_001199107.2(TBC1D24):c.655G>A (p.Glu219Lys)

Gene: TBC1D24 (TBC1 domain family member 24; plus strand). Cytogenetic location: 16p13.3.
Variant type: single nucleotide variant.
Coding change: c.655G>A on transcript NM_001199107.2 (MANE Select); coding-DNA position 655, G replaced by A.
Protein change: p.Glu219Lys; replaces glutamic acid 219 with lysine.
Molecular consequence: missense variant.
Genome position (GRCh38, 1-based): chr16:2,496,803, G>A. VCF-style: chr16-2496803-G-A. GRCh37 (hg19) VCF-style: chr16-2546804-G-A.
Other names: c.655G>A, p.Glu219Lys (NM_020705.3); short protein forms E219K.
Identifiers: ClinVar variation 837432 (VCV000837432.11), dbSNP rs1159293544, ClinGen allele CA394376840.

ClinVar aggregate classification (germline): Uncertain significance. Review status: criteria provided, multiple submitters, no conflicts (2 of 4 stars). 2 submissions from 2 submitters: Uncertain significance (2). Last evaluated 2022-06-03.

Conditions:
Developmental and epileptic encephalopathy, 1 (DEE1). Also called: X-linked infantile spasms; West's syndrome; Tonic spasms with clustering, arrest of psychomotor development and hypsarrhythmia on EEG; X-Linked Infantile Spasm Syndrome; OHTAHARA SYNDROME, X-LINKED; INFANTILE SPASM SYNDROME, X-LINKED 1. Identifiers: MedGen C3463992, MONDO:0010632, OMIM 308350. Disease mechanism: loss of function.
Autosomal dominant nonsyndromic hearing loss 65. Also called: TBC1D24-Related Autosomal Dominant Nonsyndromic Hearing Loss (DFNA); Deafness, autosomal dominant 65. Identifiers: Orphanet 90635, MedGen C3892048, MONDO:0014470, OMIM 616044.

Allele frequency attached by ClinVar (database versions not stated): gnomAD exomes 0.00001 and below 0.00001.
gnomAD v4.1: 16 of 1,613,998 alleles (0.00099%); highest among the groups gnomAD compares: Non-Finnish European, 0.0013%; no homozygotes.

Submissions (2):

GeneDx
Classification: Uncertain significance. Last evaluated: 2022-06-03. Review status: criteria provided, single submitter. Criteria: GeneDx Variant Classification Process June 2021. Collection method: clinical testing. Allele origin: germline. Affected: yes.
Comment: Not observed at significant frequency in large population cohorts (gnomAD); In silico analysis supports that this missense variant does not alter protein structure/function; Has not been previously published as pathogenic or benign to our knowledge

Labcorp Genetics (formerly Invitae), Labcorp
Classification: Uncertain significance for Developmental and epileptic encephalopathy, 1; Autosomal dominant nonsyndromic hearing loss 65. Last evaluated: 2019-09-19. Review status: criteria provided, single submitter. Criteria: Invitae Variant Classification Sherloc (09022015). Collection method: clinical testing. Allele origin: germline.
Comment: In summary, the available evidence is currently insufficient to determine the role of this variant in disease. Therefore, it has been classified as a Variant of Uncertain Significance. Algorithms developed to predict the effect of missense changes on protein structure and function (SIFT, PolyPhen-2, Align-GVGD) all suggest that this variant is likely to be tolerated, but these predictions have not been confirmed by published functional studies and their clinical significance is uncertain. This variant has not been reported in the literature in individuals with TBC1D24-related conditions. This variant is not present in population databases (ExAC no frequency). This sequence change replaces glutamic acid with lysine at codon 219 of the TBC1D24 protein (p.Glu219Lys). The glutamic acid residue is moderately conserved and there is a small physicochemical difference between glutamic acid and lysine.